The following is an entry in ClinVar:

ClinVar aggregate classification (germline): Uncertain significance. Review status: criteria provided, single submitter (1 of 4 stars). 2 submissions from 2 submitters: Uncertain significance (1). 1 of the submissions does not count toward it. Last evaluated 2020-06-04.

Conditions:
Usher syndrome type 1 (USH1). Also called: RETINITIS PIGMENTOSA AND CONGENITAL DEAFNESS. Identifiers: Orphanet 231169, Orphanet 886, MedGen C1568247, MONDO:0010168, OMIM 276900.

Allele frequency attached by ClinVar (database versions not stated): TOPMed below 0.00001.

Submissions (2):

Laboratory for Molecular Medicine, Mass General Brigham Personalized Medicine
Classification: Uncertain significance. Last evaluated: 2020-06-04. Review status: criteria provided, single submitter. Criteria: LMM Criteria. Collection method: clinical testing. Allele origin: germline. Observed: 2 variant alleles.
Comment: The p.Ile1890Phe variant in CDH23 has not been previously reported in individuals with hearing loss or Usher syndrome, and was absent from large population studies. Computational prediction tools and conservation analyses suggest that this variant may impact the protein, though this information is not predictive enough to determine pathogenicity. In summary, the clinical significance of this variant is uncertain. ACMG/AMP Criteria applied: PM2, PP3.

Natera, Inc.
Classification: Uncertain significance for Usher syndrome type 1. Last evaluated: 2020-08-14. Review status: no assertion criteria provided. Collection method: clinical testing. Allele origin: germline. Not counted in ClinVar's aggregate classification.

NM_022124.6(CDH23):c.5668A>T (p.Ile1890Phe)

Gene: CDH23 (cadherin related 23; plus strand). Cytogenetic location: 10q22.1.
Variant type: single nucleotide variant.
Coding change: c.5668A>T on transcript NM_022124.6 (MANE Select); coding-DNA position 5668, A replaced by T.
Protein change: p.Ile1890Phe; replaces isoleucine 1890 with phenylalanine.
Molecular consequence: missense variant.
Genome position (GRCh38, 1-based): chr10:71,785,056, A>T. VCF-style: chr10-71785056-A-T. GRCh37 (hg19) VCF-style: chr10-73544813-A-T.
Other names: short protein forms I1890F.
Identifiers: ClinVar variation 990282 (VCV000990282.5), dbSNP rs1841063934, ClinGen allele CA377147060.